The following is an entry in ClinVar:

NM_000760.4(CSF3R):c.839C>T (p.Ala280Val)

Gene: CSF3R (colony stimulating factor 3 receptor; minus strand). Cytogenetic location: 1p34.3.
Variant type: single nucleotide variant.
Coding change: c.839C>T on transcript NM_000760.4 (MANE Select); coding-DNA position 839, C replaced by T.
Protein change: p.Ala280Val; replaces alanine 280 with valine.
Molecular consequence: missense variant.
Genome position (GRCh38, 1-based): chr1:36,472,521, G>A on the plus strand (C>T on the coding strand, the complement: CSF3R is on the minus strand). VCF-style: chr1-36472521-G-A. GRCh37 (hg19) VCF-style: chr1-36938122-G-A.
Other names: c.839C>T, p.Ala280Val (NM_156039.3, NM_172313.3); short protein forms A280V.
Identifiers: ClinVar variation 2186389 (VCV002186389.4), dbSNP rs34845290, ClinGen allele CA769376.

ClinVar aggregate classification (germline): Uncertain significance (1 of 4 stars; one submission).

Conditions:
Autosomal recessive severe congenital neutropenia due to CSF3R deficiency. Also called: Neutropenia, severe congenital, 7, autosomal recessive. Identifiers: Orphanet 420702, MedGen C4310764, MONDO:0014865, OMIM 617014.

Allele frequency attached by ClinVar (database versions not stated): ExAC 0.00001; gnomAD 0.00002; gnomAD exomes 0.00002; TOPMed 0.00003.
gnomAD v4.1: 12 of 1,614,060 alleles (0.00074%); highest among the groups gnomAD compares: Admixed American, 0.02%; no homozygotes.

Submission:

Labcorp Genetics (formerly Invitae), Labcorp
Classification: Uncertain significance for Autosomal recessive severe congenital neutropenia due to CSF3R deficiency. Last evaluated: 2025-06-24. Review status: criteria provided, single submitter. Criteria: Invitae Variant Classification Sherloc (09022015). Collection method: clinical testing. Allele origin: germline.
Comment: This sequence change replaces alanine, which is neutral and non-polar, with valine, which is neutral and non-polar, at codon 280 of the CSF3R protein (p.Ala280Val). This variant is present in population databases (rs34845290, gnomAD 0.01%). This variant has not been reported in the literature in individuals affected with CSF3R-related conditions. ClinVar contains an entry for this variant (Variation ID: 2186389). Invitae Evidence Modeling of protein sequence and biophysical properties (such as structural, functional, and spatial information, amino acid conservation, physicochemical variation, residue mobility, and thermodynamic stability) indicates that this missense variant is not expected to disrupt CSF3R protein function with a negative predictive value of 80%. In summary, the available evidence is currently insufficient to determine the role of this variant in disease. Therefore, it has been classified as a Variant of Uncertain Significance.